The following is an entry in ClinVar:

NM_015102.5(NPHP4):c.3788C>G (p.Ala1263Gly)

Gene: NPHP4 (nephrocystin 4; minus strand). Cytogenetic location: 1p36.31.
Variant type: single nucleotide variant.
Coding change: c.3788C>G on transcript NM_015102.5 (MANE Select); coding-DNA position 3788, C replaced by G.
Protein change: p.Ala1263Gly; replaces alanine 1263 with glycine.
Molecular consequence: missense variant. On other transcripts: non-coding transcript variant (1).
Genome position (GRCh38, 1-based): chr1:5,865,130, G>C on the plus strand (C>G on the coding strand, the complement: NPHP4 is on the minus strand). VCF-style: chr1-5865130-G-C. GRCh37 (hg19) VCF-style: chr1-5925190-G-C.
Other names: c.2249C>G, p.Ala750Gly (NM_001291593.2); c.2252C>G, p.Ala751Gly (NM_001291594.2); c.3788C>G (NM_015102.3); short protein forms A750G, A1263G, A751G.
Identifiers: ClinVar variation 857135 (VCV000857135.10), dbSNP rs1641072103, ClinGen allele CA338049988.

ClinVar aggregate classification (germline): Uncertain significance. Review status: criteria provided, multiple submitters, no conflicts (2 of 4 stars). 2 submissions from 2 submitters: Uncertain significance (2). Last evaluated 2024-12-03.

Conditions:
Inborn genetic diseases. Identifiers: MedGen C0950123, MeSH D030342.
Nephronophthisis. Also called: Juvenile Nephronophthisis. Identifiers: Orphanet 655, MedGen C0687120, MONDO:0019005, HP:0000090.

Submissions (2):

Ambry Genetics
Classification: Uncertain significance for Inborn genetic diseases. Last evaluated: 2024-12-03. Review status: criteria provided, single submitter. Criteria: Ambry Variant Classification Scheme 2023. Collection method: clinical testing. Allele origin: germline.

Labcorp Genetics (formerly Invitae), Labcorp
Classification: Uncertain significance for Nephronophthisis. Last evaluated: 2022-07-18. Review status: criteria provided, single submitter. Criteria: Invitae Variant Classification Sherloc (09022015). Collection method: clinical testing. Allele origin: germline.
Comment: In summary, the available evidence is currently insufficient to determine the role of this variant in disease. Therefore, it has been classified as a Variant of Uncertain Significance. Algorithms developed to predict the effect of missense changes on protein structure and function are either unavailable or do not agree on the potential impact of this missense change (SIFT: "Tolerated"; PolyPhen-2: "Probably Damaging"; Align-GVGD: "Class C0"). ClinVar contains an entry for this variant (Variation ID: 857135). This variant has not been reported in the literature in individuals affected with NPHP4-related conditions. This variant is not present in population databases (gnomAD no frequency). This sequence change replaces alanine, which is neutral and non-polar, with glycine, which is neutral and non-polar, at codon 1263 of the NPHP4 protein (p.Ala1263Gly).